The following is an entry in ClinVar:

ClinVar aggregate classification (germline): Uncertain significance (1 of 4 stars; one submission).

Conditions:
Spastic paraplegia. Identifiers: MedGen C0037772, HP:0001258.

Submission:

Labcorp Genetics (formerly Invitae), Labcorp
Classification: Uncertain significance for Spastic paraplegia. Last evaluated: 2021-05-13. Review status: criteria provided, single submitter. Criteria: Invitae Variant Classification Sherloc (09022015). Collection method: clinical testing. Allele origin: germline.
Comment: In summary, the available evidence is currently insufficient to determine the role of this variant in disease. Therefore, it has been classified as a Variant of Uncertain Significance. Advanced modeling of protein sequence and biophysical properties (such as structural, functional, and spatial information, amino acid conservation, physicochemical variation, residue mobility, and thermodynamic stability) performed at Invitae indicates that this missense variant is not expected to disrupt KIF5A protein function. This variant has not been reported in the literature in individuals with KIF5A-related conditions. This variant is not present in population databases (ExAC no frequency). This sequence change replaces threonine with asparagine at codon 397 of the KIF5A protein (p.Thr397Asn). The threonine residue is highly conserved and there is a small physicochemical difference between threonine and asparagine.

NM_004984.4(KIF5A):c.1190C>A (p.Thr397Asn)

Gene: KIF5A (kinesin family member 5A; plus strand). Cytogenetic location: 12q13.3.
Variant type: single nucleotide variant.
Coding change: c.1190C>A on transcript NM_004984.4 (MANE Select); coding-DNA position 1190, C replaced by A.
Protein change: p.Thr397Asn; replaces threonine 397 with asparagine.
Molecular consequence: missense variant.
Genome position (GRCh38, 1-based): chr12:57,570,059, C>A. VCF-style: chr12-57570059-C-A. GRCh37 (hg19) VCF-style: chr12-57963842-C-A.
Other names: c.923C>A, p.Thr308Asn (NM_001354705.2); short protein forms T308N, T397N.
Identifiers: ClinVar variation 1353498 (VCV001353498.8), dbSNP rs2140163650, ClinGen allele CA385503910.